The following is an entry in ClinVar:

NM_006922.4(SCN3A):c.4901T>G (p.Leu1634Arg)

Gene: SCN3A (sodium voltage-gated channel alpha subunit 3; minus strand). Cytogenetic location: 2q24.3.
Variant type: single nucleotide variant.
Coding change: c.4901T>G on transcript NM_006922.4 (MANE Select); coding-DNA position 4901, T replaced by G.
Protein change: p.Leu1634Arg; replaces leucine 1634 with arginine.
Molecular consequence: missense variant.
Genome position (GRCh38, 1-based): chr2:165,091,252, A>C on the plus strand (T>G on the coding strand, the complement: SCN3A is on the minus strand). VCF-style: chr2-165091252-A-C. GRCh37 (hg19) VCF-style: chr2-165947762-A-C.
Other names: c.4754T>G, p.Leu1585Arg (NM_001081676.2, NM_001081677.2); short protein forms L1585R, L1634R.
Identifiers: ClinVar variation 3368921 (VCV003368921.1).
Genomic context (GRCh38, chr2:165,091,252, plus strand): 5'-GCAGGAAGGGACATCATCAAAGCAAAGAGCAGCGTGCGGATCCCCTTTGCTCCTTTGATC[A>C]GACGTAGGATTCGGCCAATCCTGGCAAGACGGATCACTCGGAACAAGGTAGGGGACACAA-3'
Protein context (NP_008853.3, residues 1624-1644): RLARIGRILR[Leu1634Arg]IKGAKGIRTL

ClinVar aggregate classification (germline): Uncertain significance (1 of 4 stars; one submission).

Submission:

GeneDx
Classification: Uncertain significance. Last evaluated: 2024-02-06. Review status: criteria provided, single submitter. Criteria: GeneDx Variant Classification Process June 2021. Collection method: clinical testing. Allele origin: germline. Affected: yes.
Comment: Not observed at significant frequency in large population cohorts (gnomAD); In silico analysis supports that this missense variant has a deleterious effect on protein structure/function; Has not been previously published as pathogenic or benign to our knowledge